The following is an entry in ClinVar:

NM_001042492.3(NF1):c.1652TTC[1] (p.Leu552del)

Gene: NF1 (neurofibromin 1; plus strand). Cytogenetic location: 17q11.2.
Variant type: Microsatellite.
Coding change: c.1652TTC[1] on transcript NM_001042492.3 (MANE Select); one copy of the 3-base unit TTC starting at c.1652; the reference has two copies in a row; one copy, 3 bases deleted.
Protein change: p.Leu552del; deletes leucine 552.
Molecular consequence: inframe deletion. On other transcripts: inframe indel (1).
Genome position (GRCh38, 1-based): chr17:31,221,863-31,221,865, TTC deleted; deleting any 3 consecutive bases within chr17:31,221,860-31,221,865 gives the same sequence; the position shown is the placement nearest the transcript's 3' end. VCF-style (leftmost placement, unchanged base first): chr17-31221859-GTTC-G. GRCh37 (hg19) VCF-style: chr17-29548877-GTTC-G.
Other names: c.1652_1654delTTC (NM_000267.3); c.1652_1654TTC[1], p.Leu552del (NM_000267.4); c.1652TTC[1], p.Leu552del (NM_001128147.3); c.1655_1657delTTC (NM_000267.3); short protein forms L552del.
Identifiers: ClinVar variation 1513189 (VCV001513189.10), dbSNP rs2144003808, ClinGen allele CA2580614073.

ClinVar aggregate classification (germline): Pathogenic/Likely pathogenic. Review status: criteria provided, multiple submitters, no conflicts (2 of 4 stars). 3 submissions from 3 submitters: Pathogenic (1); Likely pathogenic (2). Last evaluated 2025-10-18.

Conditions:
Neurofibromatosis, type 1 (NF1). Also called: Neurofibromatosis, type I; Peripheral type neurofibromatosis; VON RECKLINGHAUSEN DISEASE; NEUROFIBROMATOSIS, TYPE I, SOMATIC. Identifiers: Orphanet 636, MedGen C0027831, MONDO:0018975, OMIM 162200. Disease mechanism: loss of function.

Submissions (3):

Labcorp Genetics (formerly Invitae), Labcorp
Classification: Pathogenic for Neurofibromatosis, type 1. Last evaluated: 2025-10-18. Review status: criteria provided, single submitter. Criteria: Invitae Variant Classification Sherloc (09022015). Collection method: clinical testing. Allele origin: germline.
Comment: This variant, c.1655_1657del, results in the deletion of 1 amino acid(s) of the NF1 protein (p.Leu552del), but otherwise preserves the integrity of the reading frame. This variant is not present in population databases (gnomAD no frequency). This variant has been observed in individual(s) with clinical features of neurofibromatosis type 1 (PMID: 31776437; internal data). In at least one individual the variant was observed to be de novo. This variant disrupts a region of the NF1 protein in which other variant(s) (p.Leu552Pro) have been determined to be pathogenic (internal data). This suggests that this is a clinically significant region of the protein, and that variants that disrupt it are likely to be disease-causing. For these reasons, this variant has been classified as Pathogenic.

Women's Health and Genetics/Laboratory Corporation of America, LabCorp
Classification: Likely pathogenic for Neurofibromatosis, type 1. Last evaluated: 2025-01-13. Review status: criteria provided, single submitter. Criteria: LabCorp Variant Classification Summary - May 2015. Collection method: clinical testing. Allele origin: germline.
Comment: Variant summary: NF1 c.1655_1657delTTC (p.Leu552del) results in an in-frame deletion that is predicted to remove one amino acid from the encoded protein. The variant was absent in 247484 control chromosomes (gnomAD). c.1655_1657delTTC has been reported in the literature in individuals affected with clinical features of neurofibromatosis type 1 (Kang_2020, internal data) and at least in one individual the variant was de novo. These data indicate that the variant may be associated with disease. To our knowledge, no experimental evidence demonstrating an impact on protein function has been reported. The following publications have been ascertained in the context of this evaluation (PMID: 31776437). ClinVar contains an entry for this variant (Variation ID: 1513189). Based on the evidence outlined above, the variant was classified as likely pathogenic.

Laboratory of Medical Genetics Unit, Bambino Gesù Children's Hospital
Classification: Likely pathogenic for Neurofibromatosis type 1. Review status: criteria provided, single submitter. Criteria: ACMG Guidelines, 2015. Collection method: research. Allele origin: germline. Affected: yes. Observed: 1 heterozygote.

Literature cited by the submitters: PubMed 31776437 (cited by Labcorp Genetics (formerly Invitae), Labcorp and Women's Health and Genetics/Laboratory Corporation of America, LabCorp).